The following is an entry in ClinVar:

NM_001256545.2(MEGF10):c.489C>T (p.Ile163=)

Gene: MEGF10 (multiple EGF like domains 10; plus strand). Cytogenetic location: 5q23.2.
Variant type: single nucleotide variant.
Coding change: c.489C>T on transcript NM_001256545.2 (MANE Select); coding-DNA position 489, C replaced by T.
Protein change: p.Ile163=; no amino-acid change (isoleucine 163 retained).
Molecular consequence: synonymous variant.
Genome position (GRCh38, 1-based): chr5:127,396,608, C>T. VCF-style: chr5-127396608-C-T. GRCh37 (hg19) VCF-style: chr5-126732300-C-T.
Other names: p.Ile163=; c.489C>T, p.Ile163= (NM_001308119.2, NM_001308121.2, NM_032446.3).
Identifiers: ClinVar variation 350638 (VCV000350638.25), dbSNP rs34649270, ClinGen allele CA3391304.

ClinVar aggregate classification (germline): Conflicting classifications of pathogenicity. Review status: criteria provided, conflicting classifications (1 of 4 stars). 5 submissions from 5 submitters: Uncertain significance (1); Benign (3). 1 of the submissions does not count toward it. Last evaluated 2026-01-21.

Conditions:
MEGF10-related disorder. Also called: MEGF10-related condition.
MEGF10-related myopathy (CMYO10A). Also called: Congenital myopathy 10A, severe variant. Identifiers: Orphanet 439212, MedGen C3280679, MONDO:0013731, OMIM 614399.

Allele frequency attached by ClinVar (database versions not stated): gnomAD exomes 0.00051 and 0.00139; ExAC 0.00168; ESP Exome Variant Server 0.00531; gnomAD 0.00538 and 0.00577; TOPMed 0.00597; 1000 Genomes Project 0.00679; 1000 Genomes Project 30x 0.00687.
gnomAD v4.1: 1,640 of 1,612,942 alleles (0.1%); highest among the groups gnomAD compares: African/African-American, 1.9%; 11 homozygotes.

Submissions (5):

Labcorp Genetics (formerly Invitae), Labcorp
Classification: Benign for MEGF10-related myopathy. Last evaluated: 2026-01-21. Review status: criteria provided, single submitter. Criteria: Invitae Variant Classification Sherloc (09022015). Collection method: clinical testing. Allele origin: germline.

Mayo Clinic Laboratories, Mayo Clinic
Classification: Benign. Last evaluated: 2023-02-14. Review status: criteria provided, single submitter. Criteria: ACMG Guidelines, 2015. Collection method: clinical testing. Allele origin: germline. Observed: 3 variant alleles.
Comment: BS1, BS2

Illumina Laboratory Services, Illumina
Classification: Uncertain significance for MEGF10-related myopathy. Last evaluated: 2018-01-13. Review status: criteria provided, single submitter. Criteria: ICSL Variant Classification Criteria 13 December 2019. Collection method: clinical testing. Allele origin: germline.

GeneDx
Classification: Benign. Last evaluated: 2018-01-04. Review status: criteria provided, single submitter. Criteria: GeneDx Variant Classification (06012015). Collection method: clinical testing. Allele origin: germline. Affected: yes.
Comment: This variant is considered likely benign or benign based on one or more of the following criteria: it is a conservative change, it occurs at a poorly conserved position in the protein, it is predicted to be benign by multiple in silico algorithms, and/or has population frequency not consistent with disease.

PreventionGenetics, part of Exact Sciences
Classification: Benign for MEGF10-related condition. Last evaluated: 2019-05-10. Review status: no assertion criteria provided. Collection method: clinical testing. Allele origin: germline. Not counted in ClinVar's aggregate classification.
Comment: This variant is classified as benign based on ACMG/AMP sequence variant interpretation guidelines (Richards et al. 2015 PMID: 25741868, with internal and published modifications).